The following is an entry in ClinVar:

NM_004360.5(CDH1):c.1455C>T (p.Ile485=)

Gene: CDH1 (cadherin 1; plus strand). Cytogenetic location: 16q22.1.
Variant type: single nucleotide variant.
Coding change: c.1455C>T on transcript NM_004360.5 (MANE Select); coding-DNA position 1455, C replaced by T.
Protein change: p.Ile485=; no amino-acid change (isoleucine 485 retained).
Molecular consequence: synonymous variant. On other transcripts: 5 prime UTR variant (2).
Genome position (GRCh38, 1-based): chr16:68,815,649, C>T. VCF-style: chr16-68815649-C-T. GRCh37 (hg19) VCF-style: chr16-68849552-C-T.
Other names: c.1455C>T (LRG_301t1); c.1272C>T, p.Ile424= (NM_001317184.2); c.-94C>T (NM_001317185.2); c.-365C>T (NM_001317186.2).
Identifiers: ClinVar variation 184679 (VCV000184679.41), dbSNP rs786201613, ClinGen allele CA189673.

ClinVar aggregate classification (germline): Benign/Likely benign. Review status: criteria provided, multiple submitters, no conflicts (2 of 4 stars). 5 submissions from 5 submitters: Benign (1); Likely benign (4). Last evaluated 2024-11-03.

Conditions:
Hereditary cancer-predisposing syndrome. Also called: Tumor predisposition; Neoplastic Syndromes, Hereditary; Hereditary Cancer Syndrome; Hereditary neoplastic syndrome. Identifiers: Orphanet 140162, MedGen C0027672, MeSH D009386, MONDO:0015356.
Hereditary diffuse gastric adenocarcinoma (HDGC). Also called: DIFFUSE GASTRIC AND LOBULAR BREAST CANCER SYNDROME. Identifiers: Orphanet 26106, MedGen C1708349, MONDO:0007648, OMIM 137215.

Submissions (5):

Labcorp Genetics (formerly Invitae), Labcorp
Classification: Likely benign for Hereditary diffuse gastric adenocarcinoma. Last evaluated: 2024-11-03. Review status: criteria provided, single submitter. Criteria: Invitae Variant Classification Sherloc (09022015). Collection method: clinical testing. Allele origin: germline.

Myriad Genetics, Inc.
Classification: Benign for Hereditary diffuse gastric adenocarcinoma. Last evaluated: 2024-09-19. Review status: criteria provided, single submitter. Criteria: Myriad Autosomal Dominant, Autosomal Recessive and X-Linked Classification Criteria (2023). Collection method: clinical testing. Allele origin: unknown.
Comment: This variant is considered benign. This variant is a silent/synonymous amino acid change and it is not expected to impact splicing.

Color Diagnostics, LLC DBA Color Health
Classification: Likely benign for Hereditary cancer-predisposing syndrome. Last evaluated: 2023-11-20. Review status: criteria provided, single submitter. Criteria: ACMG Guidelines, 2015. Collection method: clinical testing. Allele origin: germline.

CeGaT Center for Human Genetics Tuebingen
Classification: Likely benign. Last evaluated: 2023-01-01. Review status: criteria provided, single submitter. Criteria: CeGaT Center For Human Genetics Tuebingen Variant Classification Criteria Version 2. Collection method: clinical testing. Allele origin: germline. Affected: yes. Observed: 1 variant allele.
Comment: CDH1: PM2:Supporting, BP4, BP7

Ambry Genetics
Classification: Likely benign for Hereditary cancer-predisposing syndrome. Last evaluated: 2020-01-14. Review status: criteria provided, single submitter. Criteria: Ambry Variant Classification Scheme 2023. Collection method: clinical testing. Allele origin: germline.